The following is an entry in ClinVar:

ClinVar aggregate classification (germline): Uncertain significance (0 of 4 stars; one submission).

Conditions:
GPBAR1-related disorder. Also called: GPBAR1-related condition.

Submission:

PreventionGenetics, part of Exact Sciences
Classification: Uncertain significance for GPBAR1-related condition. Last evaluated: 2024-09-10. Review status: no assertion criteria provided. Collection method: clinical testing. Allele origin: germline.
Comment: The GPBAR1 c.832G>A variant is predicted to result in the amino acid substitution p.Val278Ile. To our knowledge, this variant has not been reported in the literature. This variant is reported in 0.0049% of alleles in individuals of European (Non-Finnish) descent in gnomAD. At this time, the clinical significance of this variant is uncertain due to the absence of conclusive functional and genetic evidence.

NM_170699.3(GPBAR1):c.832G>A (p.Val278Ile)

Gene: GPBAR1 (G protein-coupled bile acid receptor 1; plus strand). Cytogenetic location: 2q35.
Variant type: single nucleotide variant.
Coding change: c.832G>A on transcript NM_170699.3 (MANE Select); coding-DNA position 832, G replaced by A.
Protein change: p.Val278Ile; replaces valine 278 with isoleucine.
Molecular consequence: missense variant.
Genome position (GRCh38, 1-based): chr2:218,263,556, G>A. VCF-style: chr2-218263556-G-A. GRCh37 (hg19) VCF-style: chr2-219128279-G-A.
Other names: c.832G>A, p.Val278Ile (NM_001077191.2, NM_001077194.2, NM_001321950.2); short protein forms V278I.
Identifiers: ClinVar variation 3352447 (VCV003352447.1).